The following is an entry in ClinVar:

NM_020458.4(TTC7A):c.517+1G>C

Gene: TTC7A (tetratricopeptide repeat domain 7A; plus strand). Cytogenetic location: 2p21.
Variant type: single nucleotide variant.
Coding change: c.517+1G>C on transcript NM_020458.4 (MANE Select); the canonical splice donor site of the intron after coding-DNA position 517, G replaced by C.
Molecular consequence: splice donor variant.
Genome position (GRCh38, 1-based): chr2:46,957,008, G>C. VCF-style: chr2-46957008-G-C. GRCh37 (hg19) VCF-style: chr2-47184147-G-C.
Other names: c.415+1G>C (NM_001288953.2); c.517+1G>C (NM_001288951.2); c.-388+1G>C (NM_001288955.2).
Identifiers: ClinVar variation 1484438 (VCV001484438.9), dbSNP rs2104019844, ClinGen allele CA346718978.
Genomic context (GRCh38, chr2:46,957,008, plus strand): 5'-CCATGGAGAACAAGCCCCTGTATCAGATGCGGCTGCTGTCGGAGGCTTTTGTCATCAAAG[G>C]TAGCTGTGGGCACCAGCCTGGGCTCCCCTCCACTGTGTGCAGCTCGTTGCACTCTGACTC-3'

ClinVar aggregate classification (germline): Likely pathogenic. Review status: criteria provided, multiple submitters, no conflicts (2 of 4 stars). 2 submissions from 2 submitters: Likely pathogenic (2). Last evaluated 2023-03-17.

Conditions:
Gastrointestinal defects and immunodeficiency syndrome 1 (GIDID1). Also called: Combined immunodeficiency-enteropathy spectrum. Identifiers: Orphanet 436252, MedGen C5968858, MONDO:0800030, OMIM 243150.
Multiple gastrointestinal atresias. Also called: FAMILIAL INTESTINAL POLYATRESIA SYNDROME; Multiple intestinal atresia. Identifiers: Orphanet 2300, MedGen C0220744, MONDO:0009465.

gnomAD v4.1: 1 of 1,614,108 alleles (0.000062%); no homozygotes.

Submissions (2):

Labcorp Genetics (formerly Invitae), Labcorp
Classification: Likely pathogenic for Multiple gastrointestinal atresias. Last evaluated: 2023-03-17. Review status: criteria provided, single submitter. Criteria: Invitae Variant Classification Sherloc (09022015). Collection method: clinical testing. Allele origin: germline.
Comment: This sequence change affects a donor splice site in intron 3 of the TTC7A gene. It is expected to disrupt RNA splicing. Variants that disrupt the donor or acceptor splice site typically lead to a loss of protein function (PMID: 16199547), and loss-of-function variants in TTC7A are known to be pathogenic (PMID: 23830146, 24292712). This variant is not present in population databases (gnomAD no frequency). This variant has not been reported in the literature in individuals affected with TTC7A-related conditions. ClinVar contains an entry for this variant (Variation ID: 1484438). Algorithms developed to predict the effect of sequence changes on RNA splicing suggest that this variant may disrupt the consensus splice site. In summary, the currently available evidence indicates that the variant is pathogenic, but additional data are needed to prove that conclusively. Therefore, this variant has been classified as Likely Pathogenic.

Juno Genomics, Hangzhou Juno Genomics, Inc
Classification: Likely pathogenic for Gastrointestinal defects and immunodeficiency syndrome 1. Review status: criteria provided, single submitter. Criteria: ACMG Guidelines, 2015. Collection method: clinical testing. Allele origin: germline.
Comment: Null variant in a gene where loss of function (LOF) is a known mechanism of disease.;Absent from controls (or at extremely low frequency if recessive) in Genome Aggregation Database.

Literature cited by the submitters: PubMed 16199547 (cited by Labcorp Genetics (formerly Invitae), Labcorp); PubMed 23830146 (cited by Labcorp Genetics (formerly Invitae), Labcorp); PubMed 24292712 (cited by Labcorp Genetics (formerly Invitae), Labcorp).